The following is an entry in ClinVar:

ClinVar aggregate classification (germline): Likely benign. Review status: criteria provided, multiple submitters, no conflicts (2 of 4 stars). 3 submissions from 3 submitters: Likely benign (3). Last evaluated 2026-08-13.

Conditions:
TTLL5-related disorder. Also called: TTLL5-related condition.

Allele frequency attached by ClinVar (database versions not stated): gnomAD exomes 0.00001 and 0.00003; ExAC 0.00004; ESP Exome Variant Server 0.00008; gnomAD 0.00009 and 0.00010; TOPMed 0.00020; 1000 Genomes Project 0.00060; 1000 Genomes Project 30x 0.00062.
gnomAD v4.1: 31 of 1,614,156 alleles (0.0019%); highest among the groups gnomAD compares: Admixed American, 0.045%; no homozygotes.

Submissions (3):

PreventionGenetics, part of Exact Sciences
Classification: Likely benign for TTLL5-related condition. Last evaluated: 2026-08-13. Review status: criteria provided, single submitter. Criteria: ACMG Guidelines, 2015. Collection method: clinical testing. Allele origin: germline.
Comment: This variant is classified as likely benign based on ACMG/AMP sequence variant interpretation guidelines (Richards et al. 2015 PMID: 25741868, with internal and published modifications).

Labcorp Genetics (formerly Invitae), Labcorp
Classification: Likely benign. Last evaluated: 2025-06-23. Review status: criteria provided, single submitter. Criteria: Invitae Variant Classification Sherloc (09022015). Collection method: clinical testing. Allele origin: germline.

Blueprint Genetics
Classification: Likely benign. Last evaluated: 2022-05-24. Review status: criteria provided, single submitter. Criteria: ACMG Guidelines, 2015. Collection method: clinical testing. Allele origin: germline.

NM_015072.5(TTLL5):c.3756A>G (p.Glu1252=)

Gene: TTLL5 (tubulin tyrosine ligase like 5; plus strand). Cytogenetic location: 14q24.3.
Variant type: single nucleotide variant.
Coding change: c.3756A>G on transcript NM_015072.5 (MANE Select); coding-DNA position 3756, A replaced by G.
Protein change: p.Glu1252=; no amino-acid change (glutamic acid 1252 retained).
Molecular consequence: synonymous variant.
Genome position (GRCh38, 1-based): chr14:75,902,157, A>G. VCF-style: chr14-75902157-A-G. GRCh37 (hg19) VCF-style: chr14-76368500-A-G.
Other names: c.3756A>G (NM_015072.4).
Identifiers: ClinVar variation 1155328 (VCV001155328.11), dbSNP rs146101884, ClinGen allele CA7280157.